The following is an entry in ClinVar:

NM_004380.3(CREBBP):c.6142G>A (p.Val2048Met)

Gene: CREBBP (CREB binding lysine acetyltransferase; minus strand). Cytogenetic location: 16p13.3.
Variant type: single nucleotide variant.
Coding change: c.6142G>A on transcript NM_004380.3 (MANE Select); coding-DNA position 6142, G replaced by A.
Protein change: p.Val2048Met; replaces valine 2048 with methionine.
Molecular consequence: missense variant.
Genome position (GRCh38, 1-based): chr16:3,728,905, C>T on the plus strand (G>A on the coding strand, the complement: CREBBP is on the minus strand). VCF-style: chr16-3728905-C-T. GRCh37 (hg19) VCF-style: chr16-3778906-C-T.
Other names: c.6028G>A, p.Val2010Met (NM_001079846.1); short protein forms V2010M, V2048M.
Identifiers: ClinVar variation 3836283 (VCV003836283.2).
Genomic context (GRCh38, chr16:3,728,905, plus strand): 5'-GCAGAGCGCTGGGTGAGATGCTCCTGGGTGGCTGCACGCTGGGCATCCGGGGCCCAGCCA[C>T]GGCCGCCTGGGCCTGCATGGATATCACAGGCCTGGGCAAGCCTGGCATGGGCTGCTGCTG-3'
Protein context (NP_004371.2, residues 2038-2058): PVISMQAQAA[Val2048Met]AGPRMPSVQP

ClinVar aggregate classification (germline): Conflicting classifications of pathogenicity. Review status: criteria provided, conflicting classifications (1 of 4 stars). 2 submissions from 2 submitters: Uncertain significance (1); Likely benign (1). Last evaluated 2025-02-13.

Conditions:
CREBBP-related disorder. Also called: CREBBP-related condition; CREBBP-related disorders.
Inborn genetic diseases. Identifiers: MedGen C0950123, MeSH D030342.

gnomAD v4.1: 23 of 1,607,852 alleles (0.0014%); highest among the groups gnomAD compares: East Asian, 0.0022%; no homozygotes.

Submissions (2):

Ambry Genetics
Classification: Likely benign for Inborn genetic diseases. Last evaluated: 2025-02-13. Review status: criteria provided, single submitter. Criteria: Ambry Variant Classification Scheme 2023. Collection method: clinical testing. Allele origin: germline.

PreventionGenetics, part of Exact Sciences
Classification: Uncertain significance for CREBBP-related condition. Last evaluated: 2024-12-14. Review status: criteria provided, single submitter. Criteria: ACMG Guidelines, 2015. Collection method: clinical testing. Allele origin: germline.
Comment: The CREBBP c.6142G>A variant is predicted to result in the amino acid substitution p.Val2048Met. To our knowledge, this variant has not been reported in the literature. This variant is reported in 0.0052% of alleles in individuals of East Asian descent in gnomAD. At this time, the clinical significance of this variant is uncertain due to the absence of conclusive functional and genetic evidence.